The following is an entry in ClinVar:

NM_206937.2(LIG4):c.2468A>G (p.Tyr823Cys)

Gene: LIG4 (DNA ligase 4; minus strand). Cytogenetic location: 13q33.3.
Variant type: single nucleotide variant.
Coding change: c.2468A>G on transcript NM_206937.2 (MANE Select); coding-DNA position 2468, A replaced by G.
Protein change: p.Tyr823Cys; replaces tyrosine 823 with cysteine.
Molecular consequence: missense variant.
Genome position (GRCh38, 1-based): chr13:108,208,801, T>C on the plus strand (A>G on the coding strand, the complement: LIG4 is on the minus strand). VCF-style: chr13-108208801-T-C. GRCh37 (hg19) VCF-style: chr13-108861149-T-C.
Other names: c.2468A>G, p.Tyr823Cys (NM_001098268.2, NM_001352598.2, NM_001352599.2 and 6 more transcripts); c.2267A>G, p.Tyr756Cys (NM_001330595.2); c.2504A>G, p.Tyr835Cys (NM_001352604.2); short protein forms Y823C, Y835C, Y756C.
Identifiers: ClinVar variation 835493 (VCV000835493.9), dbSNP rs751149500, ClinGen allele CA7043486.

ClinVar aggregate classification (germline): Uncertain significance (1 of 4 stars; one submission).

Conditions:
DNA ligase IV deficiency. Identifiers: Orphanet 99812, MedGen C1847827, MONDO:0011686, OMIM 606593.

Allele frequency attached by ClinVar (database versions not stated): gnomAD exomes below 0.00001; ExAC 0.00001.
gnomAD v4.1: 1 of 1,614,120 alleles (0.000062%); highest among the groups gnomAD compares: Non-Finnish European, 0.000085%; no homozygotes.

Submission:

Labcorp Genetics (formerly Invitae), Labcorp
Classification: Uncertain significance for DNA ligase IV deficiency. Last evaluated: 2019-11-18. Review status: criteria provided, single submitter. Criteria: Invitae Variant Classification Sherloc (09022015). Collection method: clinical testing. Allele origin: germline.
Comment: In summary, the available evidence is currently insufficient to determine the role of this variant in disease. Therefore, it has been classified as a Variant of Uncertain Significance. Algorithms developed to predict the effect of missense changes on protein structure and function (SIFT, PolyPhen-2, Align-GVGD) all suggest that this variant is likely to be tolerated, but these predictions have not been confirmed by published functional studies and their clinical significance is uncertain. This variant has not been reported in the literature in individuals with LIG4-related conditions. This variant is present in population databases (rs751149500, ExAC 0.001%). This sequence change replaces tyrosine with cysteine at codon 823 of the LIG4 protein (p.Tyr823Cys). The tyrosine residue is moderately conserved and there is a large physicochemical difference between tyrosine and cysteine.